The following is an entry in ClinVar:

ClinVar aggregate classification (germline): Conflicting classifications of pathogenicity. Review status: criteria provided, conflicting classifications (1 of 4 stars). 3 submissions from 3 submitters: Uncertain significance (2); Likely benign (1). Last evaluated 2026-01-26.

Conditions:
Corneal dystrophy. Identifiers: Orphanet 34533, MedGen C0010036, MONDO:0018102, HP:0001131.

Allele frequency attached by ClinVar (database versions not stated): gnomAD exomes 0.00010 and 0.00025; gnomAD 0.00016; ExAC 0.00019; 1000 Genomes Project 0.00020; TOPMed 0.00021; 1000 Genomes Project 30x 0.00031; ESP Exome Variant Server 0.00031.
gnomAD v4.1: 185 of 1,612,858 alleles (0.011%); highest among the groups gnomAD compares: Admixed American, 0.03%; no homozygotes.

Submissions (3):

Labcorp Genetics (formerly Invitae), Labcorp
Classification: Likely benign. Last evaluated: 2026-01-26. Review status: criteria provided, single submitter. Criteria: Invitae Variant Classification Sherloc (09022015). Collection method: clinical testing. Allele origin: germline.

Women's Health and Genetics/Laboratory Corporation of America, LabCorp
Classification: Uncertain significance. Last evaluated: 2021-12-03. Review status: criteria provided, single submitter. Criteria: LabCorp Variant Classification Summary - May 2015. Collection method: clinical testing. Allele origin: germline.
Comment: Variant summary: SLC4A11 c.1748G>A (p.Gly583Asp) results in a non-conservative amino acid change located in the Bicarbonate transporter, C-terminal domain (IPR011531) of the encoded protein sequence. Five of five in-silico tools predict a damaging effect of the variant on protein function. The variant allele was found at a frequency of 0.00025 in 249658 control chromosomes (gnomAD and publication data). This frequency is not significantly higher than expected for a pathogenic variant in SLC4A11 causing Corneal Dystrophy And Perceptive Deafness (0.00025 vs 0.0011), allowing no conclusion about variant significance. c.1748G>A has been reported in the literature in at least one individual affected with late onset Fuchs corneal dystrophy (Riazuddin_2010). The report does not provide unequivocal conclusions about association of the variant with Corneal Dystrophy And Perceptive Deafness. Functional studies report that this variant results in reducing SLC4A11 protein level and showed a diffuse distribution in the cytoplasm (Riazuddin_2010, Alka_2018). Two ClinVar submitters (evaluation after 2014) cite the variant as likely benign and uncertain significance. Based on the evidence outlined above, the variant was classified as VUS-possibly pathogenic.

Illumina Laboratory Services, Illumina
Classification: Uncertain significance for Corneal dystrophy. Last evaluated: 2017-04-27. Review status: criteria provided, single submitter. Criteria: ICSL Variant Classification Criteria 13 December 2019. Collection method: clinical testing. Allele origin: germline.
Comment: This variant was observed as part of a predisposition screen in an ostensibly healthy population. A literature search was performed for the gene, cDNA change, and amino acid change (where applicable). Publications were found based on this search. However, the evidence from the literature, in combination with allele frequency data from public databases where available, was not sufficient to rule this variant in or out of causing disease. Therefore, this variant is classified as a variant of unknown significance.

Literature cited by the submitters: PubMed 29327391 (cited by Women's Health and Genetics/Laboratory Corporation of America, LabCorp); PubMed 23922488 (cited by Women's Health and Genetics/Laboratory Corporation of America, LabCorp and Illumina Laboratory Services, Illumina); PubMed 23585771 (cited by Women's Health and Genetics/Laboratory Corporation of America, LabCorp and Illumina Laboratory Services, Illumina); PubMed 34130750 (cited by Women's Health and Genetics/Laboratory Corporation of America, LabCorp); PubMed 24348007 (cited by Women's Health and Genetics/Laboratory Corporation of America, LabCorp); PubMed 31263352 (cited by Women's Health and Genetics/Laboratory Corporation of America, LabCorp); PubMed 20848555 (cited by Women's Health and Genetics/Laboratory Corporation of America, LabCorp and Illumina Laboratory Services, Illumina).

NM_001174089.2(SLC4A11):c.1700G>A (p.Gly567Asp)

Gene: SLC4A11 (solute carrier family 4 member 11; minus strand). Cytogenetic location: 20p13.
Variant type: single nucleotide variant.
Coding change: c.1700G>A on transcript NM_001174089.2 (MANE Select); coding-DNA position 1700, G replaced by A.
Protein change: p.Gly567Asp; replaces glycine 567 with aspartic acid.
Molecular consequence: missense variant. On other transcripts: non-coding transcript variant (1).
Genome position (GRCh38, 1-based): chr20:3,229,566, C>T on the plus strand (G>A on the coding strand, the complement: SLC4A11 is on the minus strand). VCF-style: chr20-3229566-C-T. GRCh37 (hg19) VCF-style: chr20-3210212-C-T.
Other names: c.1829G>A, p.Gly610Asp (NM_001174090.2); c.1586G>A, p.Gly529Asp (NM_001363745.2); c.1748G>A, p.Gly583Asp (NM_032034.4); short protein forms G567D, G610D, G529D, G583D.
Identifiers: ClinVar variation 760889 (VCV000760889.14), dbSNP rs139078082, ClinGen allele CA9741754.